The following is an entry in ClinVar:

NM_006904.7(PRKDC):c.1441A>G (p.Thr481Ala)

Gene: PRKDC (protein kinase, DNA-activated, catalytic subunit; minus strand). Cytogenetic location: 8q11.21.
Variant type: single nucleotide variant.
Coding change: c.1441A>G on transcript NM_006904.7 (MANE Select); coding-DNA position 1441, A replaced by G.
Protein change: p.Thr481Ala; replaces threonine 481 with alanine.
Molecular consequence: missense variant.
Genome position (GRCh38, 1-based): chr8:47,935,738, T>C on the plus strand (A>G on the coding strand, the complement: PRKDC is on the minus strand). VCF-style: chr8-47935738-T-C. GRCh37 (hg19) VCF-style: chr8-48848298-T-C.
Other names: c.1441A>G, p.Thr481Ala (NM_001081640.2); short protein forms T481A.
Identifiers: ClinVar variation 3225747 (VCV003225747.1), dbSNP rs2551879530, ClinGen allele CA371165668.

ClinVar aggregate classification (germline): Uncertain significance (1 of 4 stars; one submission).

Submission:

Ambry Genetics
Classification: Uncertain significance. Last evaluated: 2024-02-23. Review status: criteria provided, single submitter. Criteria: Ambry Variant Classification Scheme 2023. Collection method: clinical testing. Allele origin: germline.
Comment: The p.T481A variant (also known as c.1441A>G), located in coding exon 13 of the PRKDC gene, results from an A to G substitution at nucleotide position 1441. The threonine at codon 481 is replaced by alanine, an amino acid with similar properties. This amino acid position is conserved. In addition, this alteration is predicted to be tolerated by in silico analysis. Based on the available evidence, the clinical significance of this alteration remains unclear.